The following is an entry in ClinVar:

ClinVar aggregate classification (germline): Pathogenic. Review status: criteria provided, multiple submitters, no conflicts (2 of 4 stars). 2 submissions from 2 submitters: Pathogenic (2). Last evaluated 2025-01-10.

Conditions:
Oculocutaneous albinism type 4 (OCA4). Also called: Albinism, oculocutaneous, type IV. Identifiers: Orphanet 79435, MedGen C1847836, MONDO:0011683, OMIM 606574.

Submissions (2):

First Genomix Gene Laboratory, Genetic Diagnostics Department
Classification: Pathogenic for Oculocutaneous albinism type 4. Last evaluated: 2025-01-10. Review status: criteria provided, single submitter. Criteria: ACMG Guidelines, 2015. Collection method: clinical testing. Allele origin: germline. Inheritance: Autosomal recessive inheritance. Affected: no. Observed: 1 variant allele.

Labcorp Genetics (formerly Invitae), Labcorp
Classification: Pathogenic. Last evaluated: 2023-07-19. Review status: criteria provided, single submitter. Criteria: Invitae Variant Classification Sherloc (09022015). Collection method: clinical testing. Allele origin: germline.
Comment: This premature translational stop signal has been observed in individual(s) with oculocutaneous albinism (PMID: 31630438). This sequence change creates a premature translational stop signal (p.Gly194Valfs*7) in the SLC45A2 gene. It is expected to result in an absent or disrupted protein product. Loss-of-function variants in SLC45A2 are known to be pathogenic (PMID: 21458243, 26573111). This variant is not present in population databases (gnomAD no frequency). This variant is also known as c.579del. For these reasons, this variant has been classified as Pathogenic.

Literature cited by the submitters: PubMed 31630438 (cited by Labcorp Genetics (formerly Invitae), Labcorp); PubMed 21458243 (cited by Labcorp Genetics (formerly Invitae), Labcorp); PubMed 26573111 (cited by Labcorp Genetics (formerly Invitae), Labcorp).

NM_016180.5(SLC45A2):c.581del (p.Gly194fs)

Gene: SLC45A2 (solute carrier family 45 member 2; minus strand). Cytogenetic location: 5p13.2.
Variant type: Deletion.
Coding change: c.581del on transcript NM_016180.5 (MANE Select); coding-DNA position 581, one base deleted (G; older notation c.581delG).
Protein change: p.Gly194fs; shifts the reading frame from glycine 194.
Molecular consequence: frameshift variant. On other transcripts: intron variant (1).
Genome position (GRCh38, 1-based): chr5:33,963,998, C deleted on the plus strand (G on the coding strand, the reverse complement: SLC45A2 is on the minus strand); the first of 3 consecutive C bases (chr5:33,963,998-33,964,000); deleting any one gives the same sequence. VCF-style (leftmost placement, unchanged base first): chr5-33963997-AC-A. GRCh37 (hg19) VCF-style: chr5-33964102-AC-A.
Other names: c.581del, p.Gly194fs (NM_001012509.4); c.563-9494del (NM_001297417.4); c.581delG (NM_016180.5); short protein forms G194fs.
Identifiers: ClinVar variation 2982245 (VCV002982245.4), dbSNP rs2478841472, ClinGen allele CA2695204178.